The following is an entry in ClinVar:

ClinVar aggregate classification (germline): Uncertain significance. Review status: criteria provided, multiple submitters, no conflicts (2 of 4 stars). 2 submissions from 2 submitters: Uncertain significance (2). Last evaluated 2025-07-25.

Submissions (2):

GeneDx
Classification: Uncertain significance. Last evaluated: 2025-07-25. Review status: criteria provided, single submitter. Criteria: GeneDx Variant Classification Process June 2021. Collection method: clinical testing. Allele origin: germline.
Comment: Reported previously as a paternally inherited variant in a patient with features including IUGR, prematurity, dysmorphic features, osteopenia, recurrent chest infections, failure to thrive, developmental delay, microcephaly, and congenital heart defects; however, this patient also harbored a de novo variant in CTCF, which most likely explained the findings (PMID: 28619046); Not observed at significant frequency in large population cohorts (gnomAD); In silico analysis suggests that this missense variant does not alter protein structure/function; This variant is associated with the following publications: (PMID: 28619046)

Labcorp Genetics (formerly Invitae), Labcorp
Classification: Uncertain significance. Last evaluated: 2025-03-31. Review status: criteria provided, single submitter. Criteria: Invitae Variant Classification Sherloc (09022015). Collection method: clinical testing. Allele origin: germline.
Comment: This sequence change replaces arginine, which is basic and polar, with glutamine, which is neutral and polar, at codon 1074 of the SETD5 protein (p.Arg1074Gln). This variant is not present in population databases (gnomAD no frequency). This variant has not been reported in the literature in individuals affected with SETD5-related conditions. ClinVar contains an entry for this variant (Variation ID: 3572511). Invitae Evidence Modeling of protein sequence and biophysical properties (such as structural, functional, and spatial information, amino acid conservation, physicochemical variation, residue mobility, and thermodynamic stability) indicates that this missense variant is expected to disrupt SETD5 protein function with a positive predictive value of 80%. In summary, the available evidence is currently insufficient to determine the role of this variant in disease. Therefore, it has been classified as a Variant of Uncertain Significance.

NM_001080517.3(SETD5):c.3221G>A (p.Arg1074Gln)

Gene: SETD5 (SET domain containing 5; plus strand). Cytogenetic location: 3p25.3.
Variant type: single nucleotide variant.
Coding change: c.3221G>A on transcript NM_001080517.3 (MANE Select); coding-DNA position 3221, G replaced by A.
Protein change: p.Arg1074Gln; replaces arginine 1074 with glutamine.
Molecular consequence: missense variant.
Genome position (GRCh38, 1-based): chr3:9,473,261, G>A. VCF-style: chr3-9473261-G-A. GRCh37 (hg19) VCF-style: chr3-9514945-G-A.
Other names: c.2927G>A, p.Arg976Gln (NM_001292043.2, NM_001349451.2); short protein forms R976Q, R1074Q.
Identifiers: ClinVar variation 3572511 (VCV003572511.3).